The following is an entry in ClinVar:

ClinVar aggregate classification (germline): Uncertain significance. Review status: criteria provided, multiple submitters, no conflicts (2 of 4 stars). 2 submissions from 2 submitters: Uncertain significance (2). Last evaluated 2023-05-08.

Conditions:
Cardiovascular phenotype. Identifiers: MedGen CN230736.

Submissions (2):

Ambry Genetics
Classification: Uncertain significance for Cardiovascular phenotype. Last evaluated: 2023-05-08. Review status: criteria provided, single submitter. Criteria: Ambry Variant Classification Scheme 2023. Collection method: clinical testing. Allele origin: germline.
Comment: The c.3276+3A>T intronic variant results from an A to T substitution 3 nucleotides after coding exon 24 in the DMD gene. This nucleotide position is well conserved in available vertebrate species. In silico splice site analysis predicts that this alteration will weaken the native splice donor site. Since supporting evidence is limited at this time, the clinical significance of this alteration remains unclear.

Revvity Omics, Revvity
Classification: Uncertain significance. Last evaluated: 2021-02-22. Review status: criteria provided, single submitter. Criteria: ACMG Guidelines, 2015. Collection method: clinical testing. Allele origin: germline.

NM_004006.3(DMD):c.3276+3A>T

Gene: DMD (dystrophin; minus strand). Cytogenetic location: Xp21.1.
Variant type: single nucleotide variant.
Coding change: c.3276+3A>T on transcript NM_004006.3 (MANE Select); 3 bases into the intron after coding-DNA position 3276, A replaced by T.
Molecular consequence: intron variant.
Genome position (GRCh38, 1-based): chrX:32,464,583, T>A on the plus strand (A>T on the coding strand, the complement: DMD is on the minus strand). VCF-style: chrX-32464583-T-A. GRCh37 (hg19) VCF-style: chrX-32482700-T-A.
Other names: c.3252+3A>T (NM_000109.4); c.3264+3A>T (NM_004009.3); c.2907+3A>T (NM_004010.3).
Identifiers: ClinVar variation 2440864 (VCV002440864.5), dbSNP rs2524535468, ClinGen allele CA2580100706.